The following is an entry in ClinVar:

NM_007294.4(BRCA1):c.5074+1G>T

Gene: BRCA1 (BRCA1 DNA repair associated; minus strand). Cytogenetic location: 17q21.31.
Variant type: single nucleotide variant.
Coding change: c.5074+1G>T on transcript NM_007294.4 (MANE Select); the canonical splice donor site of the intron after coding-DNA position 5074, G replaced by T.
Molecular consequence: splice donor variant. On other transcripts: intron variant (1).
Genome position (GRCh38, 1-based): chr17:43,067,607, C>A on the plus strand (G>T on the coding strand, the complement: BRCA1 is on the minus strand). VCF-style: chr17-43067607-C-A. GRCh37 (hg19) VCF-style: chr17-41219624-C-A.
Other names: IVS17+1G>T; c.1621+1G>T (NM_001408458.1, NM_001408461.1, NM_001408464.1 and 7 more transcripts); c.4183+1G>T (NM_001407967.1); c.4693+1G>T (NM_001407959.1); c.4807+1G>T (NM_001407931.1, NM_001407932.1, NM_001407928.1 and 4 more transcripts); c.4930+1G>T (NM_001407747.1, NM_001407745.1, NM_001407737.1 and 21 more transcripts); c.4690+1G>T (NM_001407962.1, NM_001407960.1); c.1261+1G>T (NM_001408512.1); and 72 more.
Identifiers: ClinVar variation 37630 (VCV000037630.27), dbSNP rs80358053, ClinGen allele CA003194.

ClinVar aggregate classification (germline): Pathogenic. Review status: reviewed by expert panel (3 of 4 stars). 12 submissions from 12 submitters: Pathogenic (1). 11 of the submissions do not count toward it. Last evaluated 2019-06-18.

Conditions:
Hereditary cancer-predisposing syndrome. Also called: Tumor predisposition; Neoplastic Syndromes, Hereditary; Hereditary Cancer Syndrome; Hereditary neoplastic syndrome. Identifiers: Orphanet 140162, MedGen C0027672, MeSH D009386, MONDO:0015356.
Hereditary breast ovarian cancer syndrome. Also called: Hereditary breast and ovarian cancer syndrome (HBOC); Hereditary breast and ovarian cancer syndrome; Hereditary breast and ovarian cancer; Hereditary breast and/or ovarian cancer syndrome; Breast and ovarian cancer; BRCA1- and BRCA2-Associated Hereditary Breast and Ovarian Cancer. Identifiers: Orphanet 145, MedGen C0677776, MeSH D061325, MONDO:0003582. Disease mechanism: loss of function.
Breast-ovarian cancer, familial, susceptibility to, 1 (BROVCA1). Also called: OVARIAN CANCER, SUSCEPTIBILITY TO; BRCA1 Hereditary Breast and Ovarian Cancer. Identifiers: Orphanet 145, MedGen C2676676, MONDO:0011450, OMIM 604370. Disease mechanism: loss of function.

Submissions 1 to 7 of 13:

Evidence-based Network for the Interpretation of Germline Mutant Alleles (ENIGMA)
Classification: Pathogenic for Breast-ovarian cancer, familial, susceptibility to, 1. Last evaluated: 2019-06-18. Review status: reviewed by expert panel. Criteria: ENIGMA BRCA1/2 Classification Criteria (2017-06-29). Collection method: curation. Allele origin: germline.
Comment: IARC class based on posterior probability from multifactorial likelihood analysis, thresholds for class as per Plon et al. 2008 (PMID: 18951446). Class 5 based on posterior probability = 0.998992

Ambry Genetics
Classification: Pathogenic for Hereditary cancer-predisposing syndrome. Last evaluated: 2025-08-12. Review status: criteria provided, single submitter. Criteria: Ambry Variant Classification Scheme 2023. Collection method: clinical testing. Allele origin: germline. Not counted in ClinVar's aggregate classification.
Comment: The c.5074+1G>T intronic pathogenic mutation results from a G to T substitution one nucleotide after coding exon 15 of the BRCA1 gene. This variant has been identified in multiple studies of BRCA1/2 mutation positive families (Rashid MU et al. Hered Cancer Clin Pract, 2019 Sep;17:27; Rebbeck TR et al. Hum. Mutat., 2018 05;39:593-620) and has been reported in multiple individuals diagnosed with breast and/or ovarian cancer (Nones K et al. Ann. Oncol., 2019 07;30:1071-1079; Laitman Y et al. Hum. Mutat., 2019 11;40:e1-e23; Kim HN et al. Chonnam Med J, 2019 May;55:99-103; Li A et al. Gynecol. Oncol., 2018 10;151:145-152; Darooei M et al. Tumour Biol., 2017 Feb;39:1010428317694303; Juwle A et al. Med. Oncol., 2012 Dec;29:3272-81; Choi DH et al. J. Clin. Oncol., 2004 May;22:1638-45). This variant is considered to be rare based on population cohorts in the Genome Aggregation Database (gnomAD). One functional study found that this nucleotide substitution is deleterious in a high throughput genome editing haploid cell survival assay (Findlay GM et al. Nature, 2018 10;562:217-222). This nucleotide position is highly conserved in available vertebrate species. In silico splice site analysis predicts that this alteration will weaken the native splice donor site; however, direct evidence is insufficient at this time (Ambry internal data). In addition to the clinical data presented in the literature, alterations that disrupt the canonical splice site are expected to cause aberrant splicing, resulting in an abnormal protein or a transcript that is subject to nonsense-mediated mRNA decay. As such, this alteration is classified as a disease-causing mutation.

Labcorp Genetics (formerly Invitae), Labcorp
Classification: Pathogenic for Hereditary breast ovarian cancer syndrome. Last evaluated: 2025-07-22. Review status: criteria provided, single submitter. Criteria: Invitae Variant Classification Sherloc (09022015). Collection method: clinical testing. Allele origin: germline. Not counted in ClinVar's aggregate classification.
Comment: This sequence change affects a donor splice site in intron 16 of the BRCA1 gene. RNA analysis indicates that disruption of this splice site induces altered splicing and may result in an absent or altered protein product. This variant is not present in population databases (gnomAD no frequency). Disruption of this splice site has been observed in individual(s) with breast and/or ovarian cancer (PMID: 15117986, 22752604, 29446198, 30078507, 30350268). This variant is also known as IVS17+1G>T. ClinVar contains an entry for this variant (Variation ID: 37630). Studies have shown that disruption of this splice site alters mRNA splicing and is expected to lead to the loss of protein expression (PMID: 15345110, 24667779; internal data). For these reasons, this variant has been classified as Pathogenic.

Dasa
Classification: Pathogenic for Breast-ovarian cancer, familial, susceptibility to, 1. Last evaluated: 2025-04-24. Review status: criteria provided, single submitter. Criteria: DASA Assertion Criteria. Collection method: clinical testing. Allele origin: germline. Not counted in ClinVar's aggregate classification.
Comment: NM_007294.4(BRCA1):c.5074+1G>T affects a canonical splice site and is predicted to disrupt normal RNA splicing, leading to loss of normal protein function. Loss-of-function is an established mechanism of disease for this gene. This variant results in the same amino acid change as a previously established pathogenic variant. Functional evidence supports a deleterious effect on the gene or gene product (PMID: 30209399). This variant has been reported in individuals with Breast-ovarian cancer, familial, susceptibility to, 1 (PMID: 30209399). Multiple computational predictions support a deleterious effect on the gene or gene product. The variant is present at low frequency in population datasets. Based on the available data, this variant is classified as pathogenic.

Quest Diagnostics Nichols Institute San Juan Capistrano
Classification: Pathogenic. Last evaluated: 2025-04-07. Review status: criteria provided, single submitter. Criteria: Quest Diagnostics criteria. Collection method: clinical testing. Allele origin: unknown. Not counted in ClinVar's aggregate classification.
Comment: The BRCA1 c.5074+1G>T variant disrupts a canonical splice-donor site and interferes with normal BRCA1 mRNA splicing. This variant has been reported in the published literature in individuals with a personal and/or family history of breast and/or ovarian cancer (PMID: 30078507 (2018), 30350268 (2018), 22752604 (2012), 15117986 (2004)). A functional study demonstrated that this variant lost functional activity in a large-scale study using a haploid cell line (PMID: 30209399 (2018)). This variant has not been reported in large, multi-ethnic general populations (Genome Aggregation Database). Based on the available information, this variant is classified as pathogenic.

Color Diagnostics, LLC DBA Color Health
Classification: Pathogenic for Hereditary cancer-predisposing syndrome. Last evaluated: 2022-02-04. Review status: criteria provided, single submitter. Criteria: ACMG Guidelines, 2015. Collection method: clinical testing. Allele origin: germline. Not counted in ClinVar's aggregate classification.
Comment: This variant causes a G to T nucleotide substitution at the +1 position of intron 16 of the BRCA1 gene. This variant is also known as 5193+1G>T and IVS17+1G>T based on Breast Cancer Information Core (BIC) nomenclature. Functional RNA studies have shown that this variant leads to the activation of a cryptic splice site and results in the premature truncation of the BRCA1 protein (PMID: 15345110, 24667779). This variant has been reported to be loss-of-function in a haploid cell proliferation assay (PMID: 30209399). This variant has been reported in individuals affected with early onset breast cancer and ovarian cancer (PMID: 15117986, 22711857, 22752604, 30078507, 34657357), and has been identified in six families among the CIMBA participants (PMID: 29446198). This variant has not been identified in the general population by the Genome Aggregation Database (gnomAD). Loss of BRCA1 function is a known mechanism of disease. Based on the available evidence, this variant is classified as Pathogenic.

Women's Health and Genetics/Laboratory Corporation of America, LabCorp
Classification: Pathogenic for Hereditary breast ovarian cancer syndrome. Last evaluated: 2021-09-20. Review status: criteria provided, single submitter. Criteria: LabCorp Variant Classification Summary - May 2015. Collection method: clinical testing. Allele origin: germline. Not counted in ClinVar's aggregate classification.
Comment: Variant summary: BRCA1 c.5074+1G>T is located in a canonical splice-site and is predicted to affect mRNA splicing resulting in a significantly altered protein due to either exon skipping, shortening, or inclusion of intronic material. Several computational tools predict a significant impact on normal splicing: Three predict the variant abolishes a 5' splicing donor site. Three predict the variant abolishes a 3' acceptor site. In a functional study, this variant was reported to lead to inclusion of intronic sequence resulting in early termination of the BRCA1 protein (Brose_2004). The variant was absent in 251352 control chromosomes. c.5074+1G>T has been reported in the literature in individuals affected with Hereditary Breast And Ovarian Cancer Syndrome (Juwle_2012, Li_2018, Ryu_2019, Cecener_2020, etc). These data indicate that the variant is likely to be associated with disease. Five clinical diagnostic laboratories have submitted clinical-significance assessments for this variant to ClinVar after 2014 without evidence for independent evaluation. All laboratories classified the variant as pathogenic. Based on the evidence outlined above, the variant was classified as pathogenic.